The following is an entry in ClinVar:

NM_025194.3(ITPKC):c.1849-6C>T

Gene: ITPKC (inositol-trisphosphate 3-kinase C; plus strand). Cytogenetic location: 19q13.2.
Variant type: single nucleotide variant.
Coding change: c.1849-6C>T on transcript NM_025194.3 (MANE Select); 6 bases into the intron before coding-DNA position 1849, C replaced by T.
Molecular consequence: intron variant.
Genome position (GRCh38, 1-based): chr19:40,739,351, C>T. VCF-style: chr19-40739351-C-T. GRCh37 (hg19) VCF-style: chr19-41245256-C-T.
Other names: c.1777-6C>T (NM_001411098.1).
Identifiers: ClinVar variation 3036547 (VCV003036547.2), dbSNP rs747306506, ClinGen allele CA9451017.

ClinVar aggregate classification (germline): Likely benign (0 of 4 stars; one submission).

Conditions:
ITPKC-related disorder. Also called: ITPKC-related condition.

Allele frequency attached by ClinVar (database versions not stated): gnomAD exomes 0.00001; TOPMed 0.00003; ExAC 0.00004; gnomAD 0.00004.
gnomAD v4.1: 28 of 1,612,668 alleles (0.0017%); highest among the groups gnomAD compares: East Asian, 0.02%; no homozygotes.

Submission:

PreventionGenetics, part of Exact Sciences
Classification: Likely benign for ITPKC-related condition. Last evaluated: 2019-02-22. Review status: no assertion criteria provided. Collection method: clinical testing. Allele origin: germline.
Comment: This variant is classified as likely benign based on ACMG/AMP sequence variant interpretation guidelines (Richards et al. 2015 PMID: 25741868, with internal and published modifications).